The following is an entry in ClinVar:

ClinVar aggregate classification (germline): Pathogenic (1 of 4 stars; one submission).

Submission:

Labcorp Genetics (formerly Invitae), Labcorp
Classification: Pathogenic. Last evaluated: 2023-08-10. Review status: criteria provided, single submitter. Criteria: Invitae Variant Classification Sherloc (09022015). Collection method: clinical testing. Allele origin: germline.
Comment: For these reasons, this variant has been classified as Pathogenic. This variant has not been reported in the literature in individuals affected with ADGRG1-related conditions. This variant is not present in population databases (gnomAD no frequency). This sequence change creates a premature translational stop signal (p.Leu289Thrfs*35) in the ADGRG1 gene. It is expected to result in an absent or disrupted protein product. Loss-of-function variants in ADGRG1 are known to be pathogenic (PMID: 15044805, 20929962).

Literature cited by the submitters: PubMed 15044805; PubMed 20929962.

NM_201525.4(ADGRG1):c.864_865insAC (p.Leu289fs)

Gene: ADGRG1 (adhesion G protein-coupled receptor G1; plus strand). Cytogenetic location: 16q21.
Variant type: Insertion.
Coding change: c.864_865insAC on transcript NM_201525.4 (MANE Select); coding-DNA positions 864 to 865, AC inserted.
Protein change: p.Leu289fs; shifts the reading frame from leucine 289.
Molecular consequence: frameshift variant.
Genome position: GRCh38 VCF-style: chr16-57655493-T-TCA. GRCh37 (hg19) VCF-style: chr16-57689405-T-TCA.
Other names: c.864_865insAC, p.Leu289fs (NM_001370434.1, NM_001370435.1, NM_001370436.1 and 16 more transcripts); c.708_709insAC, p.Leu237fs (NM_001370442.1); c.339_340insAC, p.Leu114fs (NM_001370451.1, NM_001290143.2, NM_001290144.2 and 2 more transcripts); c.879_880insAC, p.Leu294fs (NM_001145773.3, NM_001370433.1); c.354_355insAC, p.Leu119fs (NM_001290142.2); short protein forms L294fs, L237fs, L114fs, L119fs, L289fs.
Identifiers: ClinVar variation 2751511 (VCV002751511.3), dbSNP rs2545314200, ClinGen allele CA2697555882.